The following is an entry in ClinVar:

NM_003482.4(KMT2D):c.11859_11885del (p.Leu3955_Gln3963del)

Gene: KMT2D (lysine methyltransferase 2D; minus strand). Cytogenetic location: 12q13.12.
Variant type: Deletion.
Coding change: c.11859_11885del on transcript NM_003482.4 (MANE Select); coding-DNA positions 11859 to 11885, 27 bases deleted (GCAGCTACAACAGCAACAGCAACAACA).
Protein change: p.Leu3955_Gln3963del.
Molecular consequence: inframe deletion.
Genome position (GRCh38, 1-based): chr12:49,032,820-49,032,846, TGTTGTTGCTGTTGCTGTTGTAGCTGC deleted on the plus strand (GCAGCTACAACAGCAACAGCAACAACA on the coding strand, the reverse complement: KMT2D is on the minus strand); deleting any 27 consecutive bases within chr12:49,032,820-49,032,851 gives the same sequence; the c. name uses the placement nearest the transcript's 3' end. VCF-style (leftmost placement, unchanged base first): chr12-49032819-TTGTTGTTGCTGTTGCTGTTGTAGCTGC-T. GRCh37 (hg19) VCF-style: chr12-49426602-TTGTTGTTGCTGTTGCTGTTGTAGCTGC-T.
Identifiers: ClinVar variation 4875040 (VCV004875040.2).

ClinVar aggregate classification (germline): Uncertain significance (1 of 4 stars; one submission).

Submission:

CeGaT Center for Human Genetics Tuebingen
Classification: Uncertain significance. Last evaluated: 2026-05-01. Review status: criteria provided, single submitter. Criteria: CeGaT Center For Human Genetics Tuebingen Variant Classification Criteria Version 2. Collection method: clinical testing. Allele origin: germline. Affected: yes. Observed: 1 variant allele.
Comment: KMT2D: PM2, BP3